The following is an entry in ClinVar:

ClinVar aggregate classification (germline): Uncertain significance (1 of 4 stars; one submission).

Submission:

Women's Health and Genetics/Laboratory Corporation of America, LabCorp
Classification: Uncertain significance. Last evaluated: 2025-09-22. Review status: criteria provided, single submitter. Criteria: LabCorp Variant Classification Summary - May 2015. Collection method: clinical testing. Allele origin: germline.
Comment: Variant summary: CBS c.519G>C (p.Met173Ile) results in a conservative amino acid change in the encoded protein sequence. Algorithms developed to predict the effect of missense changes on protein structure and function are either unavailable or do not agree on the potential impact of this missense change. The variant was absent in 190164 control chromosomes. The available data on variant occurrences in the general population are insufficient to allow any conclusion about variant significance. To our knowledge, no occurrence of c.519G>C in individuals affected with CBS-related conditions and no experimental evidence demonstrating its impact on protein function have been reported. No submitters have cited clinical-significance assessments for this variant to ClinVar. Based on the evidence outlined above, the variant was classified as uncertain significance.

NM_000071.3(CBS):c.519G>C (p.Met173Ile)

Gene: CBS (cystathionine beta-synthase; minus strand). Cytogenetic location: 21q22.3.
Variant type: single nucleotide variant.
Coding change: c.519G>C on transcript NM_000071.3 (MANE Select); coding-DNA position 519, G replaced by C.
Protein change: p.Met173Ile; replaces methionine 173 with isoleucine.
Molecular consequence: missense variant.
Genome position (GRCh38, 1-based): chr21:43,065,628, C>G on the plus strand (G>C on the coding strand, the complement: CBS is on the minus strand). VCF-style: chr21-43065628-C-G. GRCh37 (hg19) VCF-style: chr21-44485738-C-G.
Other names: c.519G>C, p.Met173Ile (NM_001178008.3, NM_001178009.3, NM_001320298.2); c.204G>C, p.Met68Ile (NM_001321072.1); short protein forms M173I, M68I.
Identifiers: ClinVar variation 4536072 (VCV004536072.1).